The following is an entry in ClinVar:

NM_001079802.2(FKTN):c.638C>T (p.Ala213Val)

Gene: FKTN (fukutin; plus strand). Cytogenetic location: 9q31.2.
Variant type: single nucleotide variant.
Coding change: c.638C>T on transcript NM_001079802.2 (MANE Select); coding-DNA position 638, C replaced by T.
Protein change: p.Ala213Val; replaces alanine 213 with valine.
Molecular consequence: missense variant. On other transcripts: non-coding transcript variant (2).
Genome position (GRCh38, 1-based): chr9:105,604,483, C>T. VCF-style: chr9-105604483-C-T. GRCh37 (hg19) VCF-style: chr9-108366764-C-T.
Other names: c.638C>T (NM_001079802.1); c.638C>T, p.Ala213Val (NM_001198963.2, NM_001351496.2, NM_001351498.2 and 1 more transcripts); c.569C>T, p.Ala190Val (NM_001351497.2); c.242C>T, p.Ala81Val (NM_001351499.2, NM_001351500.2, NM_001351501.2 and 1 more transcripts); short protein forms A190V, A213V, A81V.
Identifiers: ClinVar variation 1041384 (VCV001041384.9), dbSNP rs774612427, ClinGen allele CA374332425.
Genomic context (GRCh38, chr9:105,604,483, plus strand): 5'-AACACATTGACAGGAAATTTGTTCCCTTCCGAAAGTTACAGTTTGGTCGTTATCCAGGAG[C>T]TTTTGACAGGTAAGTTCAGAGTCAAAACGTGAAATGTGAAATGAGTGTTGTTCAGTCATA-3'
Protein context (NP_001073270.1, residues 203-223): RKLQFGRYPG[Ala213Val]FDRPELQQVT

ClinVar aggregate classification (germline): Uncertain significance. Review status: criteria provided, single submitter (1 of 4 stars). 2 submissions from 2 submitters: Uncertain significance (1). 1 of the submissions does not count toward it. Last evaluated 2022-08-23.

Conditions:
Walker-Warburg congenital muscular dystrophy. Also called: Muscular dystrophy-dystroglycanopathy, type A; Walker-Warburg syndrome. Identifiers: Orphanet 899, MedGen C0265221, MONDO:0000171.

gnomAD v4.1: 1 of 1,613,730 alleles (0.000062%); highest among the groups gnomAD compares: South Asian, 0.0011%; no homozygotes.

Submissions (2):

Labcorp Genetics (formerly Invitae), Labcorp
Classification: Uncertain significance for Walker-Warburg congenital muscular dystrophy. Last evaluated: 2022-08-23. Review status: criteria provided, single submitter. Criteria: Invitae Variant Classification Sherloc (09022015). Collection method: clinical testing. Allele origin: germline.
Comment: In summary, the available evidence is currently insufficient to determine the role of this variant in disease. Therefore, it has been classified as a Variant of Uncertain Significance. Algorithms developed to predict the effect of missense changes on protein structure and function are either unavailable or do not agree on the potential impact of this missense change (SIFT: "Tolerated"; PolyPhen-2: "Possibly Damaging"; Align-GVGD: "Class C0"). ClinVar contains an entry for this variant (Variation ID: 1041384). This variant has not been reported in the literature in individuals affected with FKTN-related conditions. This variant is not present in population databases (gnomAD no frequency). This sequence change replaces alanine, which is neutral and non-polar, with valine, which is neutral and non-polar, at codon 213 of the FKTN protein (p.Ala213Val).

Natera, Inc.
Classification: Uncertain significance for Walker-Warburg congenital muscular dystrophy. Last evaluated: 2025-05-16. Review status: no assertion criteria provided. Collection method: clinical testing. Allele origin: germline. Not counted in ClinVar's aggregate classification.